The following is an entry in ClinVar:

ClinVar aggregate classification (germline): Benign/Likely benign. Review status: criteria provided, multiple submitters, no conflicts (2 of 4 stars). 2 submissions from 2 submitters: Benign (1); Likely benign (1). Last evaluated 2024-09-18.

Conditions:
Hereditary diffuse gastric adenocarcinoma (HDGC). Also called: DIFFUSE GASTRIC AND LOBULAR BREAST CANCER SYNDROME. Identifiers: Orphanet 26106, MedGen C1708349, MONDO:0007648, OMIM 137215.

Submissions (2):

Myriad Genetics, Inc.
Classification: Benign for Hereditary diffuse gastric adenocarcinoma. Last evaluated: 2024-09-18. Review status: criteria provided, single submitter. Criteria: Myriad Autosomal Dominant, Autosomal Recessive and X-Linked Classification Criteria (2023). Collection method: clinical testing. Allele origin: unknown.
Comment: This variant is considered benign. This variant is a silent/synonymous amino acid change and it is not expected to impact splicing.

Labcorp Genetics (formerly Invitae), Labcorp
Classification: Likely benign for Hereditary diffuse gastric adenocarcinoma. Last evaluated: 2019-01-29. Review status: criteria provided, single submitter. Criteria: Invitae Variant Classification Sherloc (09022015). Collection method: clinical testing. Allele origin: germline.

NM_004360.5(CDH1):c.1290G>A (p.Val430=)

Gene: CDH1 (cadherin 1; plus strand). Cytogenetic location: 16q22.1.
Variant type: single nucleotide variant.
Coding change: c.1290G>A on transcript NM_004360.5 (MANE Select); coding-DNA position 1290, G replaced by A.
Protein change: p.Val430=; no amino-acid change (valine 430 retained).
Molecular consequence: synonymous variant. On other transcripts: 5 prime UTR variant (2), intron variant (1).
Genome position (GRCh38, 1-based): chr16:68,813,465, G>A. VCF-style: chr16-68813465-G-A. GRCh37 (hg19) VCF-style: chr16-68847368-G-A.
Other names: c.-326G>A (NM_001317185.2); c.-530G>A (NM_001317186.2); c.1137+1202G>A (NM_001317184.2).
Identifiers: ClinVar variation 1115212 (VCV001115212.10), dbSNP rs2152133615, ClinGen allele CA496393151.
Genomic context (GRCh38, chr16:68,813,465, plus strand): 5'-GGCTGTATACACCATATTGAATGATGATGGTGGACAATTTGTCGTCACCACAAATCCAGT[G>A]AACAACGATGGCATTTTGAAAACAGCAAAGGTTTGTATGGTACCTGGCAAGATGCAGAAA-3'
Protein context (NP_004351.1, residues 420-440): GGQFVVTTNP[Val430=]NNDGILKTAK